The following is an entry in ClinVar:

NM_133497.4(KCNV2):c.1380C>T (p.Tyr460=)

Gene: KCNV2 (potassium voltage-gated channel modifier subfamily V member 2; plus strand). Cytogenetic location: 9p24.2.
Variant type: single nucleotide variant.
Coding change: c.1380C>T on transcript NM_133497.4 (MANE Select); coding-DNA position 1380, C replaced by T.
Protein change: p.Tyr460=; no amino-acid change (tyrosine 460 retained).
Molecular consequence: synonymous variant.
Genome position (GRCh38, 1-based): chr9:2,729,469, C>T. VCF-style: chr9-2729469-C-T. GRCh37 (hg19) VCF-style: chr9-2729469-C-T.
Identifiers: ClinVar variation 722546 (VCV000722546.11), dbSNP rs367634793, ClinGen allele CA4965904.

ClinVar aggregate classification (germline): Likely benign. Review status: criteria provided, multiple submitters, no conflicts (2 of 4 stars). 3 submissions from 3 submitters: Likely benign (3). Last evaluated 2026-01-15.

Conditions:
KCNV2-related disorder. Also called: KCNV2-related condition.

Allele frequency attached by ClinVar (database versions not stated): ExAC 0.00002; gnomAD 0.00003 and 0.00004; TOPMed 0.00007; ESP Exome Variant Server 0.00008.
gnomAD v4.1: 43 of 1,613,918 alleles (0.0027%); highest among the groups gnomAD compares: Admixed American, 0.0033%; no homozygotes.

Submissions (3):

Labcorp Genetics (formerly Invitae), Labcorp
Classification: Likely benign. Last evaluated: 2026-01-15. Review status: criteria provided, single submitter. Criteria: Invitae Variant Classification Sherloc (09022015). Collection method: clinical testing. Allele origin: germline.

PreventionGenetics, part of Exact Sciences
Classification: Likely benign for KCNV2-related condition. Last evaluated: 2025-04-02. Review status: criteria provided, single submitter. Criteria: ACMG Guidelines, 2015. Collection method: clinical testing. Allele origin: germline.
Comment: This variant is classified as likely benign based on ACMG/AMP sequence variant interpretation guidelines (Richards et al. 2015 PMID: 25741868, with internal and published modifications).

Blueprint Genetics
Classification: Likely benign. Last evaluated: 2024-06-27. Review status: criteria provided, single submitter. Criteria: ACMG Guidelines, 2015. Collection method: clinical testing. Allele origin: germline.